The following is an entry in ClinVar:

NM_000179.3(MSH6):c.1365C>T (p.Asn455=)

Gene: MSH6 (mutS homolog 6; plus strand). Cytogenetic location: 2p16.3.
Variant type: single nucleotide variant.
Coding change: c.1365C>T on transcript NM_000179.3 (MANE Select); coding-DNA position 1365, C replaced by T.
Protein change: p.Asn455=; no amino-acid change (asparagine 455 retained).
Molecular consequence: synonymous variant.
Genome position (GRCh38, 1-based): chr2:47,799,348, C>T. VCF-style: chr2-47799348-C-T. GRCh37 (hg19) VCF-style: chr2-48026487-C-T.
Other names: c.975C>T, p.Asn325= (NM_001281492.2); c.459C>T, p.Asn153= (NM_001281493.2, NM_001281494.2).
Identifiers: ClinVar variation 818945 (VCV000818945.15), dbSNP rs1064793186, ClinGen allele CA426121097.

ClinVar aggregate classification (germline): Benign/Likely benign. Review status: criteria provided, multiple submitters, no conflicts (2 of 4 stars). 4 submissions from 4 submitters: Benign (1); Likely benign (3). Last evaluated 2024-12-26.

Conditions:
Hereditary nonpolyposis colorectal neoplasms. Identifiers: MedGen C0009405, MeSH D003123.
Lynch syndrome 5 (LYNCH5). Also called: Hereditary non-polyposis colorectal cancer, type 5; Colorectal cancer, hereditary nonpolyposis, type 5. Identifiers: Orphanet 144, MedGen C1833477, MONDO:0013710, OMIM 614350. Disease mechanism: loss of function.
Hereditary cancer-predisposing syndrome. Also called: Tumor predisposition; Hereditary neoplastic syndrome; Neoplastic Syndromes, Hereditary; Hereditary Cancer Syndrome. Identifiers: Orphanet 140162, MedGen C0027672, MeSH D009386, MONDO:0015356.

Submissions (4):

Myriad Genetics, Inc.
Classification: Benign for Lynch syndrome 5. Last evaluated: 2024-12-26. Review status: criteria provided, single submitter. Criteria: Myriad Autosomal Dominant, Autosomal Recessive and X-Linked Classification Criteria (2023). Collection method: clinical testing. Allele origin: unknown.
Comment: This variant is considered benign. This variant is a silent/synonymous amino acid change and it is not expected to impact splicing.

Labcorp Genetics (formerly Invitae), Labcorp
Classification: Likely benign for Hereditary nonpolyposis colorectal neoplasms. Last evaluated: 2024-09-16. Review status: criteria provided, single submitter. Criteria: Invitae Variant Classification Sherloc (09022015). Collection method: clinical testing. Allele origin: germline.

Color Diagnostics, LLC DBA Color Health
Classification: Likely benign for Hereditary cancer-predisposing syndrome. Last evaluated: 2022-11-06. Review status: criteria provided, single submitter. Criteria: ACMG Guidelines, 2015. Collection method: clinical testing. Allele origin: germline.

Ambry Genetics
Classification: Likely benign for Hereditary cancer-predisposing syndrome. Last evaluated: 2018-08-08. Review status: criteria provided, single submitter. Criteria: Ambry Variant Classification Scheme 2023. Collection method: clinical testing. Allele origin: germline.